The following is an entry in ClinVar:

NM_203447.4(DOCK8):c.2482G>A (p.Ala828Thr)

Gene: DOCK8 (dedicator of cytokinesis 8; plus strand). Cytogenetic location: 9p24.3.
Variant type: single nucleotide variant.
Coding change: c.2482G>A on transcript NM_203447.4 (MANE Select); coding-DNA position 2482, G replaced by A.
Protein change: p.Ala828Thr; replaces alanine 828 with threonine.
Molecular consequence: missense variant.
Genome position (GRCh38, 1-based): chr9:379,812, G>A. VCF-style: chr9-379812-G-A. GRCh37 (hg19) VCF-style: chr9-379812-G-A.
Other names: c.2278G>A, p.Ala760Thr (NM_001190458.2, NM_001193536.2); short protein forms A760T, A828T.
Identifiers: ClinVar variation 640093 (VCV000640093.11), dbSNP rs138519226, ClinGen allele CA4958216.

ClinVar aggregate classification (germline): Uncertain significance. Review status: criteria provided, multiple submitters, no conflicts (2 of 4 stars). 3 submissions from 3 submitters: Uncertain significance (2). 1 of the submissions does not count toward it. Last evaluated 2024-12-04.

Allele frequency attached by ClinVar (database versions not stated): gnomAD 0.00006 and 0.00007; TOPMed 0.00008; gnomAD exomes 0.00009; ExAC 0.00013; ESP Exome Variant Server 0.00038.
gnomAD v4.1: 174 of 1,614,030 alleles (0.011%); highest among the groups gnomAD compares: Non-Finnish European, 0.014%; no homozygotes.

Submissions (3):

Labcorp Genetics (formerly Invitae), Labcorp
Classification: Uncertain significance for Combined immunodeficiency due to DOCK8 deficiency. Last evaluated: 2024-12-04. Review status: criteria provided, single submitter. Criteria: Invitae Variant Classification Sherloc (09022015). Collection method: clinical testing. Allele origin: germline.
Comment: This sequence change replaces alanine, which is neutral and non-polar, with threonine, which is neutral and polar, at codon 828 of the DOCK8 protein (p.Ala828Thr). This variant is present in population databases (rs138519226, gnomAD 0.02%). This variant has not been reported in the literature in individuals affected with DOCK8-related conditions. ClinVar contains an entry for this variant (Variation ID: 640093). Invitae Evidence Modeling of protein sequence and biophysical properties (such as structural, functional, and spatial information, amino acid conservation, physicochemical variation, residue mobility, and thermodynamic stability) indicates that this missense variant is not expected to disrupt DOCK8 protein function with a negative predictive value of 80%. In summary, the available evidence is currently insufficient to determine the role of this variant in disease. Therefore, it has been classified as a Variant of Uncertain Significance.

Blueprint Genetics
Classification: Uncertain significance. Last evaluated: 2022-12-27. Review status: criteria provided, single submitter. Criteria: ACMG Guidelines, 2015. Collection method: clinical testing. Allele origin: germline.

Genetic Services Laboratory, University of Chicago
Classification: Uncertain significance. Last evaluated: 2022-05-12. Review status: no assertion criteria provided. Collection method: clinical testing. Allele origin: germline. Affected: no. Not counted in ClinVar's aggregate classification.
Comment: DNA sequence analysis of the DOCK8 gene demonstrated a sequence change, c.2482G>A, in exon 21 that results in an amino acid change, p.Ala828Thr. This sequence change has been described in the gnomAD database with a frequency of 0.016% in the non-Finnish European subpopulation (dbSNP rs138519226). The p.Ala828Thr change affects a moderately conserved amino acid residue located in a domain of the DOCK8 protein that is not known to be functional. The p.Ala828Thr substitution appears to be benign using several in-silico pathogenicity prediction tools (SIFT, PolyPhen2, Align GVGD, REVEL). This sequence change does not appear to have been previously described in individuals with DOCK8-related disorders. Due to insufficient evidences and the lack of functional studies, the clinical significance of the p.Ala828Thr change remains unknown at this time.